The following is an entry in ClinVar:

NM_000094.4(COL7A1):c.4853C>T (p.Pro1618Leu)

Gene: COL7A1 (collagen type VII alpha 1 chain; minus strand). Cytogenetic location: 3p21.31.
Variant type: single nucleotide variant.
Coding change: c.4853C>T on transcript NM_000094.4 (MANE Select); coding-DNA position 4853, C replaced by T.
Protein change: p.Pro1618Leu; replaces proline 1618 with leucine.
Molecular consequence: missense variant.
Genome position (GRCh38, 1-based): chr3:48,581,306, G>A on the plus strand (C>T on the coding strand, the complement: COL7A1 is on the minus strand). VCF-style: chr3-48581306-G-A. GRCh37 (hg19) VCF-style: chr3-48618739-G-A.
Other names: short protein forms P1618L.
Identifiers: ClinVar variation 2880721 (VCV002880721.3), dbSNP rs1348684990, ClinGen allele CA352683510.
Genomic context (GRCh38, chr3:48,581,306, plus strand): 5'-CTCCAGCCTCTTACATCTCGTCCTCGGGGGCCAACAGGTCCTGGGGGGCCAGGCCGCCCA[G>A]GGTCTCCCTTCTCTCCAGGAGGCCCTGAGTCACCCTGTGGAGGAGGCAAGAGGGAGGTGA-3'
Protein context (NP_000085.1, residues 1608-1628): DSGPPGEKGD[Pro1618Leu]GRPGPPGPVG

ClinVar aggregate classification (germline): Uncertain significance (1 of 4 stars; one submission).

Submission:

Labcorp Genetics (formerly Invitae), Labcorp
Classification: Uncertain significance. Last evaluated: 2023-03-08. Review status: criteria provided, single submitter. Criteria: Invitae Variant Classification Sherloc (09022015). Collection method: clinical testing. Allele origin: germline.
Comment: In summary, the available evidence is currently insufficient to determine the role of this variant in disease. Therefore, it has been classified as a Variant of Uncertain Significance. Advanced modeling of protein sequence and biophysical properties (such as structural, functional, and spatial information, amino acid conservation, physicochemical variation, residue mobility, and thermodynamic stability) has been performed at Invitae for this missense variant, however the output from this modeling did not meet the statistical confidence thresholds required to predict the impact of this variant on COL7A1 protein function. This variant has not been reported in the literature in individuals affected with COL7A1-related conditions. This variant is not present in population databases (gnomAD no frequency). This sequence change replaces proline, which is neutral and non-polar, with leucine, which is neutral and non-polar, at codon 1618 of the COL7A1 protein (p.Pro1618Leu).